The following is an entry in ClinVar:

ClinVar aggregate classification (germline): Uncertain significance. Review status: criteria provided, multiple submitters, no conflicts (2 of 4 stars). 6 submissions from 6 submitters: Uncertain significance (5). 1 of the submissions does not count toward it. Last evaluated 2025-01-29.

Conditions:
Glycogen storage disease, type II (IOPD). Also called: Pompe Disease; GLYCOGENOSIS, GENERALIZED, CARDIAC FORM; GSD II; POMPE DISEASE, INFANTILE-ONSET; GLYCOGEN STORAGE DISEASE II, INFANTILE-ONSET; ACID ALPHA-GLUCOSIDASE DEFICIENCY, INFANTILE-ONSET. Identifiers: Orphanet 365, MedGen C0017921, MONDO:0009290, OMIM 232300.

Allele frequency attached by ClinVar (database versions not stated): gnomAD exomes 0.00001; ExAC 0.00002; gnomAD 0.00002 and 0.00003; TOPMed 0.00013.
gnomAD v4.1: 24 of 1,611,466 alleles (0.0015%); highest among the groups gnomAD compares: Admixed American, 0.017%; no homozygotes.

Submissions (6):

GeneDx
Classification: Uncertain significance. Last evaluated: 2025-01-29. Review status: criteria provided, single submitter. Criteria: GeneDx Variant Classification Process June 2021. Collection method: clinical testing. Allele origin: germline. Affected: yes.
Comment: Not observed at significant frequency in large population cohorts (gnomAD); In silico analysis indicates that this missense variant does not alter protein structure/function; Has not been previously published as pathogenic or benign to our knowledge; This variant is associated with the following publications: (PMID: 22253258)

Labcorp Genetics (formerly Invitae), Labcorp
Classification: Uncertain significance for Glycogen storage disease, type II. Last evaluated: 2022-10-13. Review status: criteria provided, single submitter. Criteria: Invitae Variant Classification Sherloc (09022015). Collection method: clinical testing. Allele origin: germline.
Comment: This sequence change replaces proline, which is neutral and non-polar, with leucine, which is neutral and non-polar, at codon 6 of the GAA protein (p.Pro6Leu). This variant is present in population databases (rs771409180, gnomAD 0.006%). This variant has not been reported in the literature in individuals affected with GAA-related conditions. ClinVar contains an entry for this variant (Variation ID: 499674). Advanced modeling of protein sequence and biophysical properties (such as structural, functional, and spatial information, amino acid conservation, physicochemical variation, residue mobility, and thermodynamic stability) performed at Invitae indicates that this missense variant is not expected to disrupt GAA protein function. In summary, the available evidence is currently insufficient to determine the role of this variant in disease. Therefore, it has been classified as a Variant of Uncertain Significance.

Revvity Omics, Revvity
Classification: Uncertain significance. Last evaluated: 2022-05-10. Review status: criteria provided, single submitter. Criteria: ACMG Guidelines, 2015. Collection method: clinical testing. Allele origin: germline.

Genome-Nilou Lab
Classification: Uncertain significance for Glycogen storage disease, type II. Last evaluated: 2021-09-05. Review status: criteria provided, single submitter. Criteria: ACMG Guidelines, 2015. Collection method: clinical testing. Allele origin: germline. Affected: no.

Eurofins Ntd Llc (ga)
Classification: Uncertain significance. Last evaluated: 2017-01-05. Review status: criteria provided, single submitter. Criteria: EGL Classification Definitions 2015. Collection method: clinical testing. Allele origin: germline. Observed: 1 variant allele, 1 heterozygote.

Natera, Inc.
Classification: Uncertain significance for Glycogen storage disease type II. Last evaluated: 2020-09-16. Review status: no assertion criteria provided. Collection method: clinical testing. Allele origin: germline. Not counted in ClinVar's aggregate classification.

NM_000152.5(GAA):c.17C>T (p.Pro6Leu)

Gene: GAA (alpha glucosidase; plus strand). Cytogenetic location: 17q25.3.
Variant type: single nucleotide variant.
Coding change: c.17C>T on transcript NM_000152.5 (MANE Select); coding-DNA position 17, C replaced by T.
Protein change: p.Pro6Leu; replaces proline 6 with leucine.
Molecular consequence: missense variant.
Genome position (GRCh38, 1-based): chr17:80,104,603, C>T. VCF-style: chr17-80104603-C-T. GRCh37 (hg19) VCF-style: chr17-78078402-C-T.
Other names: c.17C>T (LRG_673t1); c.17C>T, p.Pro6Leu (NM_001079803.3, NM_001079804.3); short protein forms P6L.
Identifiers: ClinVar variation 499674 (VCV000499674.17), dbSNP rs771409180, ClinGen allele CA8814756.
Genomic context (GRCh38, chr17:80,104,603, plus strand): 5'-CTTCTCCCGCAGGCCTGTAGGAGCTGTCCAGGCCATCTCCAACCATGGGAGTGAGGCACC[C>T]GCCCTGCTCCCACCGGCTCCTGGCCGTCTGCGCCCTCGTGTCCTTGGCAACCGCTGCACT-3'
Protein context (NP_000143.2, residues 1-16): MGVRH[Pro6Leu]PCSHRLLAVC